The following is an entry in ClinVar:

ClinVar aggregate classification (germline): Likely pathogenic (1 of 4 stars; one submission).

Conditions:
Gorlin syndrome. Also called: Nevoid Basal Cell Carcinoma Syndrome; Basal cell nevus syndrome. Identifiers: Orphanet 377, MedGen C0004779, MONDO:0007187.

Submission:

Labcorp Genetics (formerly Invitae), Labcorp
Classification: Likely pathogenic for Gorlin syndrome. Last evaluated: 2022-12-24. Review status: criteria provided, single submitter. Criteria: Invitae Variant Classification Sherloc (09022015). Collection method: clinical testing. Allele origin: germline.
Comment: In summary, the currently available evidence indicates that the variant is pathogenic, but additional data are needed to prove that conclusively. Therefore, this variant has been classified as Likely Pathogenic. Algorithms developed to predict the effect of sequence changes on RNA splicing suggest that this variant may disrupt the consensus splice site. Disruption of this splice site has been observed in individual(s) with basal cell nevus syndrome (Invitae). This variant is not present in population databases (gnomAD no frequency). This sequence change affects an acceptor splice site in intron 14 of the PTCH1 gene. It is expected to disrupt RNA splicing. Variants that disrupt the donor or acceptor splice site typically lead to a loss of protein function (PMID: 16199547), and loss-of-function variants in PTCH1 are known to be pathogenic (PMID: 16301862, 16419085).

Literature cited by the submitters: PubMed 16199547; PubMed 16301862; PubMed 16419085.

NM_000264.5(PTCH1):c.2251-1G>A

Genes: PTCH1 (patched 1; minus strand), LOC100507346 (uncharacterized LOC100507346; plus strand). Cytogenetic location: 9q22.32.
Variant type: single nucleotide variant.
Coding change: c.2251-1G>A on transcript NM_000264.5 (MANE Select); the canonical splice acceptor site of the intron before coding-DNA position 2251, G replaced by A.
Molecular consequence: splice acceptor variant. On other transcripts: non-coding transcript variant (1).
Genome position (GRCh38, 1-based): chr9:95,467,426, C>T on the plus strand (G>A on the coding strand, the complement: PTCH1 is on the minus strand). VCF-style: chr9-95467426-C-T. GRCh37 (hg19) VCF-style: chr9-98229708-C-T.
Other names: c.2248-1G>A (NM_001083603.3); c.2053-1G>A (NM_001083602.3); c.2095-1G>A (NM_001354918.2); c.1798-1G>A (NM_001083605.3, NM_001083604.3, NM_001083606.3 and 1 more transcripts).
Identifiers: ClinVar variation 2823748 (VCV002823748.3), dbSNP rs2538134281, ClinGen allele CA374114774.
Genomic context (GRCh38, chr9:95,467,426, plus strand): 5'-TCGGGTGGTGCCATAAAGGCTGACCCCCAGCAAGCCCAGAAAAAGGAAGATCACCACTAC[C>T]TGGAACAGAAGAGGCACAAGGTCAGACCCCAGGGAGCACCACTGACTCTTCCTGGACAAA-3'